The following is an entry in ClinVar:

NM_002382.5(MAX):c.98dup (p.Arg35fs)

Genes: MAX (MYC associated transcriptional regulator X; minus strand), MAX-AS1 (MAX antisense RNA 1; plus strand). Cytogenetic location: 14q23.3.
Variant type: Duplication.
Coding change: c.98dup on transcript NM_002382.5 (MANE Select); coding-DNA position 98, one base duplicated (G; older notation c.98dupG).
Protein change: p.Arg35fs; shifts the reading frame from arginine 35.
Molecular consequence: frameshift variant. On other transcripts: non-coding transcript variant (1), 5 prime UTR variant (1).
Genome position (GRCh38, 1-based): chr14:65,093,781, C duplicated on the plus strand (G on the coding strand, the reverse complement: MAX is on the minus strand). VCF-style (leftmost placement, unchanged base first): chr14-65093780-T-TC. GRCh37 (hg19) VCF-style: chr14-65560498-T-TC.
Other names: c.98dupG (NM_002382.3); c.71dup, p.Arg26fs (NM_001271068.2, NM_001271069.2, NM_145112.3); c.-177dup (NM_001320415.2, NM_001407105.1, NM_001407106.1 and 1 more transcripts); c.98dup, p.Arg35Thrfs (NM_001407094.1, NM_001407096.1, NM_001407097.1 and 2 more transcripts); c.71dup, p.Arg26Thrfs (NM_001407095.1, NM_001407099.1, NM_001407100.1 and 6 more transcripts); c.-270dup (NM_001407111.1, NM_001407112.1); c.121dup, p.Glu41Glyfs (NM_001407114.1); c.98dup, p.Arg35fs (NM_145113.3, NM_145114.3, NM_197957.4); short protein forms R35fs, R26fs.
Identifiers: ClinVar variation 480770 (VCV000480770.6), dbSNP rs1555343169, ClinGen allele CA658658264.

ClinVar aggregate classification (germline): Pathogenic (1 of 4 stars; one submission).

Conditions:
Hereditary cancer-predisposing syndrome. Also called: Hereditary Cancer Syndrome; Neoplastic Syndromes, Hereditary; Tumor predisposition; Hereditary neoplastic syndrome. Identifiers: Orphanet 140162, MedGen C0027672, MeSH D009386, MONDO:0015356.

Submission:

Ambry Genetics
Classification: Pathogenic for Hereditary cancer-predisposing syndrome. Last evaluated: 2016-01-08. Review status: criteria provided, single submitter. Criteria: Ambry Variant Classification Scheme 2023. Collection method: clinical testing. Allele origin: germline.
Comment: The c.98dupG pathogenic mutation, located in coding exon 3 of the MAX gene, results from a duplication of G at nucleotide position 98, causing a translational frameshift with a predicted alternate stop codon. This alteration is expected to result in loss of function by premature protein truncation or nonsense-mediated mRNA decay. As such, this alteration is interpreted as a disease-causing mutation.